The following is an entry in ClinVar:

ClinVar aggregate classification (germline): Uncertain significance (1 of 4 stars; one submission).

Conditions:
Complement component 2 deficiency (C2D). Also called: C2 deficiency. Identifiers: MedGen C0398756, MONDO:0009006, OMIM 217000.
Age related macular degeneration 14. Also called: MACULAR DEGENERATION, AGE-RELATED, 14, REDUCED RISK OF. Identifiers: MedGen C3809653, MONDO:0014207, OMIM 615489.

Allele frequency attached by ClinVar (database versions not stated): gnomAD exomes below 0.00001; ExAC 0.00001; gnomAD 0.00002.
gnomAD v4.1: 9 of 1,612,704 alleles (0.00056%); highest among the groups gnomAD compares: East Asian, 0.0022%; no homozygotes.

Submission:

Center for Genomics, Ann and Robert H. Lurie Children's Hospital of Chicago
Classification: Uncertain significance for Complement component 2 deficiency; Age related macular degeneration 14. Review status: criteria provided, single submitter. Criteria: ACMG Guidelines, 2015. Collection method: clinical testing. Allele origin: germline.
Comment: C2 NM_000063.5 exon 7 c.988+5G>A: This variant has not been reported in the literature but is present in 1/108214 European alleles in the Genome Aggregation Database. Evolutionary conservation and computational predictive tools for this variant are limited or unavailable. This variant is an intronic variant; splice prediction tools suggest that this variant may not affect splicing. However, further studies are needed to understand its impact. In summary, data on this variant is insufficient for disease classification. Therefore, the clinical significance of this variant is uncertain.

NM_000063.6(C2):c.988+5G>A

Genes: C2-AS1 (C2 antisense RNA 1; minus strand), C2 (complement C2; plus strand). Cytogenetic location: 6p21.33.
Variant type: single nucleotide variant.
Coding change: c.988+5G>A on transcript NM_000063.6 (MANE Select); 5 bases into the intron after coding-DNA position 988, G replaced by A.
Molecular consequence: intron variant.
Genome position (GRCh38, 1-based): chr6:31,936,066, G>A. VCF-style: chr6-31936066-G-A. GRCh37 (hg19) VCF-style: chr6-31903843-G-A.
Other names: c.250+5G>A (NM_001282457.2); c.347-1253G>A (NM_001178063.3); c.901+5G>A (NM_001282458.2); c.592+5G>A (NM_001145903.3).
Identifiers: ClinVar variation 625900 (VCV000625900.3), dbSNP rs780974763, ClinGen allele CA3727585.